The following is an entry in ClinVar:

NM_012418.4(FSCN2):c.595C>T (p.Arg199Cys)

Gene: FSCN2 (fascin actin-bundling protein 2, retinal; plus strand). Cytogenetic location: 17q25.3.
Variant type: single nucleotide variant.
Coding change: c.595C>T on transcript NM_012418.4 (MANE Select); coding-DNA position 595, C replaced by T.
Protein change: p.Arg199Cys; replaces arginine 199 with cysteine.
Molecular consequence: missense variant.
Genome position (GRCh38, 1-based): chr17:81,529,126, C>T. VCF-style: chr17-81529126-C-T. GRCh37 (hg19) VCF-style: chr17-79496152-C-T.
Other names: c.595C>T, p.Arg199Cys (NM_001077182.3); short protein forms R199C.
Identifiers: ClinVar variation 840024 (VCV000840024.9), dbSNP rs372191222, ClinGen allele CA8836731.
Genomic context (GRCh38, chr17:81,529,126, plus strand): 5'-TTCCGGAGCCGACGGTACTGCCTCAAGTCCTGTGACAGCCGCTACCTGCGCAGCGACGGC[C>T]GTCTGGTCTGGGAGCCTGAGCCCCGTGCCTGCTACACGCTGGAGTTCAAGGCGGGCAAGC-3'
Protein context (NP_036550.1, residues 189-209): CDSRYLRSDG[Arg199Cys]LVWEPEPRAC

ClinVar aggregate classification (germline): Uncertain significance (1 of 4 stars; one submission).

Allele frequency attached by ClinVar (database versions not stated): gnomAD 0.00001; gnomAD exomes 0.00002; TOPMed 0.00002; ExAC 0.00003; ESP Exome Variant Server 0.00008.
gnomAD v4.1: 30 of 1,582,944 alleles (0.0019%); highest among the groups gnomAD compares: Middle Eastern, 0.033%; no homozygotes.

Submission:

Labcorp Genetics (formerly Invitae), Labcorp
Classification: Uncertain significance. Last evaluated: 2024-06-15. Review status: criteria provided, single submitter. Criteria: Invitae Variant Classification Sherloc (09022015). Collection method: clinical testing. Allele origin: germline.
Comment: This sequence change replaces arginine, which is basic and polar, with cysteine, which is neutral and slightly polar, at codon 199 of the FSCN2 protein (p.Arg199Cys). This variant is present in population databases (rs372191222, gnomAD 0.005%). This variant has not been reported in the literature in individuals affected with FSCN2-related conditions. ClinVar contains an entry for this variant (Variation ID: 840024). Algorithms developed to predict the effect of missense changes on protein structure and function output the following: SIFT: "Not Available"; PolyPhen-2: "Benign"; Align-GVGD: "Not Available". The cysteine amino acid residue is found in multiple mammalian species, which suggests that this missense change does not adversely affect protein function. In summary, the available evidence is currently insufficient to determine the role of this variant in disease. Therefore, it has been classified as a Variant of Uncertain Significance.